The following is an entry in ClinVar:

ClinVar aggregate classification (germline): Uncertain significance (1 of 4 stars; one submission).

Allele frequency attached by ClinVar (database versions not stated): gnomAD exomes 0.00001.
gnomAD v4.1: 19 of 1,614,212 alleles (0.0012%); highest among the groups gnomAD compares: Non-Finnish European, 0.0016%; no homozygotes.

Submission:

Labcorp Genetics (formerly Invitae), Labcorp
Classification: Uncertain significance. Last evaluated: 2022-01-28. Review status: criteria provided, single submitter. Criteria: Invitae Variant Classification Sherloc (09022015). Collection method: clinical testing. Allele origin: germline.
Comment: Algorithms developed to predict the effect of missense changes on protein structure and function are either unavailable or do not agree on the potential impact of this missense change (SIFT: "Deleterious"; PolyPhen-2: "Benign"; Align-GVGD: "Class C0"). In summary, the available evidence is currently insufficient to determine the role of this variant in disease. Therefore, it has been classified as a Variant of Uncertain Significance. Algorithms developed to predict the effect of sequence changes on RNA splicing suggest that this variant may create or strengthen a splice site. This variant has not been reported in the literature in individuals affected with MED20-related conditions. This variant is not present in population databases (gnomAD no frequency). This sequence change replaces methionine, which is neutral and non-polar, with arginine, which is basic and polar, at codon 63 of the MED20 protein (p.Met63Arg).

NM_004275.5(MED20):c.188T>G (p.Met63Arg)

Genes: BYSL (bystin like; plus strand), MED20 (mediator complex subunit 20; minus strand). Cytogenetic location: 6p21.1.
Variant type: single nucleotide variant.
Coding change: c.188T>G on transcript NM_004275.5 (MANE Select); coding-DNA position 188, T replaced by G.
Protein change: p.Met63Arg; replaces methionine 63 with arginine.
Molecular consequence: missense variant. On other transcripts: initiator codon variant (2).
Genome position (GRCh38, 1-based): chr6:41,909,504, A>C on the plus strand (T>G on the coding strand, the complement: MED20 is on the minus strand). VCF-style: chr6-41909504-A-C. GRCh37 (hg19) VCF-style: chr6-41877242-A-C.
Other names: c.2T>G, p.Met1Arg (NM_001305455.2, NM_001305456.2); c.188T>G, p.Met63Arg (NM_001305457.2); short protein forms M1R, M63R.
Identifiers: ClinVar variation 1958182 (VCV001958182.6), dbSNP rs901650668, ClinGen allele CA138078816.